The following is an entry in ClinVar:

ClinVar aggregate classification (germline): Uncertain significance (1 of 4 stars; one submission).

Allele frequency attached by ClinVar (database versions not stated): TOPMed below 0.00001; gnomAD 0.00001.

Submission:

Ambry Genetics
Classification: Uncertain significance. Last evaluated: 2022-03-03. Review status: criteria provided, single submitter. Criteria: Ambry Variant Classification Scheme 2023. Collection method: clinical testing. Allele origin: germline.
Comment: The p.V43F variant (also known as c.127G>T), located in coding exon 1 of the PRKDC gene, results from a G to T substitution at nucleotide position 127. The valine at codon 43 is replaced by phenylalanine, an amino acid with highly similar properties. This amino acid position is conserved. In addition, this alteration is predicted to be tolerated by in silico analysis. Since supporting evidence is limited at this time, the clinical significance of this alteration remains unclear.

NM_006904.7(PRKDC):c.127G>T (p.Val43Phe)

Gene: PRKDC (protein kinase, DNA-activated, catalytic subunit; minus strand). Cytogenetic location: 8q11.21.
Variant type: single nucleotide variant.
Coding change: c.127G>T on transcript NM_006904.7 (MANE Select); coding-DNA position 127, G replaced by T.
Protein change: p.Val43Phe; replaces valine 43 with phenylalanine.
Molecular consequence: missense variant.
Genome position (GRCh38, 1-based): chr8:47,960,000, C>A on the plus strand (G>T on the coding strand, the complement: PRKDC is on the minus strand). VCF-style: chr8-47960000-C-A. GRCh37 (hg19) VCF-style: chr8-48872560-C-A.
Other names: c.127G>T, p.Val43Phe (NM_001081640.2); short protein forms V43F.
Identifiers: ClinVar variation 1767666 (VCV001767666.2), dbSNP rs1448014260, ClinGen allele CA371142673.